The following is an entry in ClinVar:

NM_004994.3(MMP9):c.1149del (p.Lys384fs)

Gene: MMP9 (matrix metallopeptidase 9; plus strand). Cytogenetic location: 20q13.12.
Variant type: Deletion.
Coding change: c.1149del on transcript NM_004994.3 (MANE Select); coding-DNA position 1149, one base deleted (G; older notation c.1149delG).
Protein change: p.Lys384fs; shifts the reading frame from lysine 384.
Molecular consequence: frameshift variant.
Genome position (GRCh38, 1-based): chr20:46,012,288, G deleted. VCF-style (leftmost placement, unchanged base first): chr20-46012287-AG-A. GRCh37 (hg19) VCF-style: chr20-44640926-AG-A.
Other names: short protein forms K384fs.
Identifiers: ClinVar variation 2791553 (VCV002791553.3), dbSNP rs2515613804, ClinGen allele CA2739277210.
Genomic context (GRCh38, chr20:46,012,287, plus strand): 5'-GCGAGGGCCGCGGAGATGGGCGCCTCTGGTGCGCTACCACCTCGAACTTTGACAGCGACA[AG>A]AAGTGGGGCTTCTGCCCGGACCAAGGTAGGCGTGGTCCCGCGGCTCCGGGGCTGGGGTTC-3'

ClinVar aggregate classification (germline): Uncertain significance (1 of 4 stars; one submission).

Submission:

Labcorp Genetics (formerly Invitae), Labcorp
Classification: Uncertain significance. Last evaluated: 2023-07-17. Review status: criteria provided, single submitter. Criteria: Invitae Variant Classification Sherloc (09022015). Collection method: clinical testing. Allele origin: germline.
Comment: In summary, the available evidence is currently insufficient to determine the role of this variant in disease. Therefore, it has been classified as a Variant of Uncertain Significance. This variant has not been reported in the literature in individuals affected with MMP9-related conditions. This variant is not present in population databases (gnomAD no frequency). This sequence change creates a premature translational stop signal (p.Lys384Serfs*26) in the MMP9 gene. It is expected to result in an absent or disrupted protein product. However, the current clinical and genetic evidence is not sufficient to establish whether loss-of-function variants in MMP9 cause disease.